The following is an entry in ClinVar:

ClinVar aggregate classification (germline): Uncertain significance. Review status: criteria provided, multiple submitters, no conflicts (2 of 4 stars). 2 submissions from 2 submitters: Uncertain significance (2). Last evaluated 2024-08-18.

Conditions:
Hereditary cancer-predisposing syndrome. Also called: Hereditary Cancer Syndrome; Hereditary neoplastic syndrome; Neoplastic Syndromes, Hereditary; Tumor predisposition. Identifiers: Orphanet 140162, MedGen C0027672, MeSH D009386, MONDO:0015356.

Allele frequency attached by ClinVar (database versions not stated): gnomAD exomes below 0.00001.
gnomAD v4.1: 1 of 1,614,132 alleles (0.000062%); highest among the groups gnomAD compares: Non-Finnish European, 0.000085%; no homozygotes.

Submissions (2):

Ambry Genetics
Classification: Uncertain significance for Hereditary cancer-predisposing syndrome. Last evaluated: 2024-08-18. Review status: criteria provided, single submitter. Criteria: Ambry Variant Classification Scheme 2023. Collection method: clinical testing. Allele origin: germline.
Comment: The p.D220N variant (also known as c.658G>A), located in coding exon 7 of the POLE gene, results from a G to A substitution at nucleotide position 658. The aspartic acid at codon 220 is replaced by asparagine, an amino acid with highly similar properties. This amino acid position is conserved. In addition, this alteration is predicted to be tolerated by in silico analysis. Based on the available evidence, the clinical significance of this variant remains unclear.

Labcorp Genetics (formerly Invitae), Labcorp
Classification: Uncertain significance. Last evaluated: 2018-02-25. Review status: criteria provided, single submitter. Criteria: Invitae Variant Classification Sherloc (09022015). Collection method: clinical testing. Allele origin: germline.
Comment: This sequence change replaces aspartic acid with asparagine at codon 220 of the POLE protein (p.Asp220Asn). The aspartic acid residue is highly conserved and there is a small physicochemical difference between aspartic acid and asparagine. In summary, the available evidence is currently insufficient to determine the role of this variant in disease. Therefore, it has been classified as a Variant of Uncertain Significance. Algorithms developed to predict the effect of missense changes on protein structure and function do not agree on the potential impact of this missense change (SIFT: "Deleterious"; PolyPhen-2: "Probably Damaging"; Align-GVGD: "Class C15"). This variant has not been reported in the literature in individuals with POLE-related disease. ClinVar contains an entry for this variant (Variation ID: 405722). This variant is not present in population databases (ExAC no frequency).

NM_006231.4(POLE):c.658G>A (p.Asp220Asn)

Gene: POLE (DNA polymerase epsilon, catalytic subunit; minus strand). Cytogenetic location: 12q24.33.
Variant type: single nucleotide variant.
Coding change: c.658G>A on transcript NM_006231.4 (MANE Select); coding-DNA position 658, G replaced by A.
Protein change: p.Asp220Asn; replaces aspartic acid 220 with asparagine.
Molecular consequence: missense variant.
Genome position (GRCh38, 1-based): chr12:132,677,640, C>T on the plus strand (G>A on the coding strand, the complement: POLE is on the minus strand). VCF-style: chr12-132677640-C-T. GRCh37 (hg19) VCF-style: chr12-133254226-C-T.
Other names: c.658G>A (NM_006231.2); short protein forms D220N.
Identifiers: ClinVar variation 405722 (VCV000405722.9), dbSNP rs1060500824, ClinGen allele CA16613919.